The following is an entry in ClinVar:

NM_007186.6(CEP250):c.2738A>G (p.Glu913Gly)

Genes: CEP250-AS1 (CEP250 antisense RNA 1; minus strand), CEP250 (centrosomal protein 250; plus strand), LOC130065760 (ATAC-STARR-seq lymphoblastoid active region 17785; plus strand). Cytogenetic location: 20q11.22.
Variant type: single nucleotide variant.
Coding change: c.2738A>G on transcript NM_007186.6 (MANE Select); coding-DNA position 2738, A replaced by G.
Protein change: p.Glu913Gly; replaces glutamic acid 913 with glycine.
Molecular consequence: missense variant.
Genome position (GRCh38, 1-based): chr20:35,490,788, A>G. VCF-style: chr20-35490788-A-G. GRCh37 (hg19) VCF-style: chr20-34078614-A-G.
Other names: c.842A>G, p.Glu281Gly (NM_001318219.1); short protein forms E281G, E913G.
Identifiers: ClinVar variation 961817 (VCV000961817.6), dbSNP rs140662323, ClinGen allele CA9833259.

ClinVar aggregate classification (germline): Uncertain significance. Review status: criteria provided, multiple submitters, no conflicts (2 of 4 stars). 2 submissions from 2 submitters: Uncertain significance (2). Last evaluated 2025-03-27.

Conditions:
CEP250-related disorder. Also called: CEP250-related condition.

Allele frequency attached by ClinVar (database versions not stated): gnomAD exomes 0.00001 and 0.00002; ExAC 0.00002; ESP Exome Variant Server 0.00008; gnomAD 0.00011; TOPMed 0.00011; 1000 Genomes Project 30x 0.00016; 1000 Genomes Project 0.00020.
gnomAD v4.1: 25 of 1,613,106 alleles (0.0015%); highest among the groups gnomAD compares: African/African-American, 0.032%; no homozygotes.

Submissions (2):

PreventionGenetics, part of Exact Sciences
Classification: Uncertain significance for CEP250-related condition. Last evaluated: 2025-03-27. Review status: criteria provided, single submitter. Criteria: ACMG Guidelines, 2015. Collection method: clinical testing. Allele origin: germline.
Comment: The CEP250 c.2738A>G variant is predicted to result in the amino acid substitution p.Glu913Gly. To our knowledge, this variant has not been reported in the literature. This variant is reported in 0.032% of alleles in individuals of African descent in gnomAD. At this time, the clinical significance of this variant is uncertain due to the absence of conclusive functional and genetic evidence.

Labcorp Genetics (formerly Invitae), Labcorp
Classification: Uncertain significance. Last evaluated: 2022-06-18. Review status: criteria provided, single submitter. Criteria: Invitae Variant Classification Sherloc (09022015). Collection method: clinical testing. Allele origin: germline.
Comment: This sequence change replaces glutamic acid, which is acidic and polar, with glycine, which is neutral and non-polar, at codon 913 of the CEP250 protein (p.Glu913Gly). This variant is present in population databases (rs140662323, gnomAD 0.03%). This variant has not been reported in the literature in individuals affected with CEP250-related conditions. ClinVar contains an entry for this variant (Variation ID: 961817). Algorithms developed to predict the effect of missense changes on protein structure and function are either unavailable or do not agree on the potential impact of this missense change (SIFT: "Not Available"; PolyPhen-2: "Possibly Damaging"; Align-GVGD: "Not Available"). In summary, the available evidence is currently insufficient to determine the role of this variant in disease. Therefore, it has been classified as a Variant of Uncertain Significance.